The following is an entry in ClinVar:

NM_152564.5(VPS13B):c.5518A>T (p.Lys1840Ter)

Gene: VPS13B (vacuolar protein sorting 13 homolog B; plus strand). Cytogenetic location: 8q22.2.
Variant type: single nucleotide variant.
Coding change: c.5518A>T on transcript NM_152564.5 (MANE Select); coding-DNA position 5518, A replaced by T.
Protein change: p.Lys1840Ter; replaces lysine 1840 with a stop codon.
Molecular consequence: nonsense.
Genome position (GRCh38, 1-based): chr8:99,642,108, A>T. VCF-style: chr8-99642108-A-T. GRCh37 (hg19) VCF-style: chr8-100654336-A-T.
Other names: c.5593A>T, p.Lys1865Ter (NM_017890.5); short protein forms K1840*, K1865*.
Identifiers: ClinVar variation 2018089 (VCV002018089.4), dbSNP rs2491207258, ClinGen allele CA371872729.

ClinVar aggregate classification (germline): Pathogenic (1 of 4 stars; one submission).

Conditions:
Cohen syndrome (COH1). Also called: Cutis verticis gyrata, retinitis pigmentosa, and sensorineural deafness; PEPPER SYNDROME. Identifiers: Orphanet 193, MedGen C0265223, MONDO:0008999, OMIM 216550.

Submission:

Labcorp Genetics (formerly Invitae), Labcorp
Classification: Pathogenic for Cohen syndrome. Last evaluated: 2022-07-19. Review status: criteria provided, single submitter. Criteria: Invitae Variant Classification Sherloc (09022015). Collection method: clinical testing. Allele origin: germline.
Comment: For these reasons, this variant has been classified as Pathogenic. This sequence change creates a premature translational stop signal (p.Lys1865*) in the VPS13B gene. It is expected to result in an absent or disrupted protein product. Loss-of-function variants in VPS13B are known to be pathogenic (PMID: 15141358, 16648375, 20461111). This variant is not present in population databases (gnomAD no frequency). This variant has not been reported in the literature in individuals affected with VPS13B-related conditions.

Literature cited by the submitters: PubMed 15141358; PubMed 16648375; PubMed 20461111.